The following is an entry in ClinVar:

ClinVar aggregate classification (germline): Pathogenic (1 of 4 stars; one submission).

Conditions:
Lynch syndrome 5 (LYNCH5). Also called: Colorectal cancer, hereditary nonpolyposis, type 5; Hereditary non-polyposis colorectal cancer, type 5. Identifiers: Orphanet 144, MedGen C1833477, MONDO:0013710, OMIM 614350. Disease mechanism: loss of function.

Submission:

Myriad Genetics, Inc.
Classification: Pathogenic for Lynch syndrome 5. Last evaluated: 2024-12-23. Review status: criteria provided, single submitter. Criteria: Myriad Autosomal Dominant, Autosomal Recessive and X-Linked Classification Criteria (2023). Collection method: clinical testing. Allele origin: unknown.
Comment: This variant is considered pathogenic. This variant creates a frameshift predicted to result in premature protein truncation.

NM_000179.3(MSH6):c.878dup (p.Val294fs)

Gene: MSH6 (mutS homolog 6; plus strand). Cytogenetic location: 2p16.3.
Variant type: Duplication.
Coding change: c.878dup on transcript NM_000179.3 (MANE Select); coding-DNA position 878, one base duplicated (C; older notation c.878dupC).
Protein change: p.Val294fs; shifts the reading frame from valine 294.
Molecular consequence: frameshift variant. On other transcripts: 5 prime UTR variant (9), non-coding transcript variant (4), intron variant (1).
Genome position (GRCh38, 1-based): chr2:47,798,861, C duplicated; the last of 3 consecutive C bases (chr2:47,798,859-47,798,861); duplicating any one gives the same sequence. VCF-style (leftmost placement, unchanged base first): chr2-47798858-G-GC. GRCh37 (hg19) VCF-style: chr2-48025997-G-GC.
Other names: c.488dup, p.Val164fs (NM_001281492.2); c.-29dup (NM_001281493.2, NM_001281494.2, NM_001406811.1 and 6 more transcripts); c.974dup, p.Val326fs (NM_001406795.1, NM_001406802.1); c.878dup, p.Val294fs (NM_001406796.1, NM_001406798.1, NM_001406800.1 and 4 more transcripts); c.581dup, p.Val195fs (NM_001406797.1, NM_001406801.1, NM_001406805.1 and 10 more transcripts); c.353dup, p.Val119fs (NM_001406799.1, NM_001406806.1, NM_001406807.1); c.800dup, p.Val268fs (NM_001406804.1); c.884dup, p.Val296fs (NM_001406813.1); and 2 more; short protein forms V119fs, V164fs, V195fs, V238fs, V268fs, V294fs, V296fs, V326fs.
Identifiers: ClinVar variation 3904686 (VCV003904686.1).